The following is an entry in ClinVar:

NM_001172303.3(MASTL):c.1431T>C (p.Tyr477=)

Gene: MASTL (microtubule associated serine/threonine kinase like; plus strand). Cytogenetic location: 10p12.1.
Variant type: single nucleotide variant.
Coding change: c.1431T>C on transcript NM_001172303.3 (MANE Select); coding-DNA position 1431, T replaced by C.
Protein change: p.Tyr477=; no amino-acid change (tyrosine 477 retained).
Molecular consequence: synonymous variant. On other transcripts: non-coding transcript variant (1).
Genome position (GRCh38, 1-based): chr10:27,170,390, T>C. VCF-style: chr10-27170390-T-C. GRCh37 (hg19) VCF-style: chr10-27459319-T-C.
Other names: c.1431T>C, p.Tyr477= (NM_001172304.3, NM_001320756.2, NM_001320757.2 and 1 more transcripts); c.948T>C, p.Tyr316= (NM_001372029.1, NM_001372030.1).
Identifiers: ClinVar variation 3058160 (VCV003058160.2), dbSNP rs146116709, ClinGen allele CA5450217.

ClinVar aggregate classification (germline): Likely benign (0 of 4 stars; one submission).

Conditions:
MASTL-related disorder. Also called: MASTL-related condition.

Allele frequency attached by ClinVar (database versions not stated): gnomAD exomes 0.00002; TOPMed 0.00005; gnomAD 0.00009; ExAC 0.00010; ESP Exome Variant Server 0.00015; 1000 Genomes Project 0.00040; 1000 Genomes Project 30x 0.00047.
gnomAD v4.1: 75 of 1,614,088 alleles (0.0046%); highest among the groups gnomAD compares: East Asian, 0.029%; 1 homozygote.

Submission:

PreventionGenetics, part of Exact Sciences
Classification: Likely benign for MASTL-related condition. Last evaluated: 2019-03-26. Review status: no assertion criteria provided. Collection method: clinical testing. Allele origin: germline.
Comment: This variant is classified as likely benign based on ACMG/AMP sequence variant interpretation guidelines (Richards et al. 2015 PMID: 25741868, with internal and published modifications).